The following is an entry in ClinVar:

NM_023110.3(FGFR1):c.1334G>A (p.Arg445Gln)

Gene: FGFR1 (fibroblast growth factor receptor 1; minus strand). Cytogenetic location: 8p11.23.
Variant type: single nucleotide variant.
Coding change: c.1334G>A on transcript NM_023110.3 (MANE Select); coding-DNA position 1334, G replaced by A.
Protein change: p.Arg445Gln; replaces arginine 445 with glutamine.
Molecular consequence: missense variant.
Genome position (GRCh38, 1-based): chr8:38,418,324, C>T on the plus strand (G>A on the coding strand, the complement: FGFR1 is on the minus strand). VCF-style: chr8-38418324-C-T. GRCh37 (hg19) VCF-style: chr8-38275842-C-T.
Other names: c.1334G>A, p.Arg445Gln (NM_000604.2); c.1328G>A, p.Arg443Gln (NM_001174063.2, NM_001174065.2, NM_001354367.2 and 1 more transcripts); c.1304G>A, p.Arg435Gln (NM_001174064.2); c.1067G>A, p.Arg356Gln (NM_001174066.2, NM_023105.3); c.1427G>A, p.Arg476Gln (NM_001174067.2); c.1055G>A, p.Arg352Gln (NM_001354368.2); c.1322G>A, p.Arg441Gln (NM_001354369.2, NM_001410922.1); c.1061G>A, p.Arg354Gln (NM_001354370.2, NM_023106.3); short protein forms R352Q, R354Q, R356Q, R435Q, R441Q, R443Q, R445Q, R476Q.
Identifiers: ClinVar variation 2505980 (VCV002505980.1), dbSNP rs367715495, ClinGen allele CA4718411.

ClinVar aggregate classification (germline): Uncertain significance (1 of 4 stars; one submission).

Allele frequency attached by ClinVar (database versions not stated): gnomAD 0.00001; ExAC 0.00003; gnomAD exomes 0.00003; ESP Exome Variant Server 0.00008.
gnomAD v4.1: 38 of 1,614,044 alleles (0.0024%); highest among the groups gnomAD compares: South Asian, 0.0044%; no homozygotes.

Submission:

GeneDx
Classification: Uncertain significance. Last evaluated: 2022-12-14. Review status: criteria provided, single submitter. Criteria: GeneDx Variant Classification Process June 2021. Collection method: clinical testing. Allele origin: germline. Affected: yes.
Comment: In silico analysis supports that this missense variant has a deleterious effect on protein structure/function; Has not been previously published as pathogenic or benign to our knowledge